The following is an entry in ClinVar:

NM_001099922.3(ALG13):c.2261C>T (p.Pro754Leu)

Gene: ALG13 (ALG13 UDP-N-acetylglucosaminyltransferase subunit; plus strand). Cytogenetic location: Xq23.
Variant type: single nucleotide variant.
Coding change: c.2261C>T on transcript NM_001099922.3 (MANE Select); coding-DNA position 2261, C replaced by T.
Protein change: p.Pro754Leu; replaces proline 754 with leucine.
Molecular consequence: missense variant. On other transcripts: non-coding transcript variant (1).
Genome position (GRCh38, 1-based): chrX:111,728,198, C>T. VCF-style: chrX-111728198-C-T. GRCh37 (hg19) VCF-style: chrX-110971426-C-T.
Other names: c.1949C>T, p.Pro650Leu (NM_001257230.2, NM_001257234.2, NM_001257237.2); c.2027C>T, p.Pro676Leu (NM_001257231.2); c.2261C>T, p.Pro754Leu (NM_001324292.2); c.1775C>T, p.Pro592Leu (NM_001324293.1); c.2261C>T (NM_001099922.2); short protein forms P754L, P592L, P650L, P676L.
Identifiers: ClinVar variation 1348734 (VCV001348734.9), dbSNP rs1242753495, ClinGen allele CA414253650.

ClinVar aggregate classification (germline): Uncertain significance. Review status: criteria provided, multiple submitters, no conflicts (2 of 4 stars). 2 submissions from 2 submitters: Uncertain significance (2). Last evaluated 2026-02-26.

Conditions:
Developmental and epileptic encephalopathy, 36 (DEE36). Also called: Congenital disorder of glycosylation, type Is; ALG13-CDG; Epileptic encephalopathy, early infantile, 36. Identifiers: Orphanet 324422, MedGen C4317295, MONDO:0010472, OMIM 300884.

Submissions (2):

GeneDx
Classification: Uncertain significance. Last evaluated: 2026-02-26. Review status: criteria provided, single submitter. Criteria: GeneDx Variant Classification Process June 2021. Collection method: clinical testing. Allele origin: germline.
Comment: Not observed at significant frequency in large population cohorts (gnomAD); In silico analysis supports that this missense variant has a deleterious effect on protein structure/function; Has not been previously published as pathogenic or benign to our knowledge

Labcorp Genetics (formerly Invitae), Labcorp
Classification: Uncertain significance for Developmental and epileptic encephalopathy, 36. Last evaluated: 2020-12-26. Review status: criteria provided, single submitter. Criteria: Invitae Variant Classification Sherloc (09022015). Collection method: clinical testing. Allele origin: germline.
Comment: This sequence change replaces proline with leucine at codon 754 of the ALG13 protein (p.Pro754Leu). The proline residue is moderately conserved and there is a moderate physicochemical difference between proline and leucine. This variant is not present in population databases (ExAC no frequency). This variant has not been reported in the literature in individuals with ALG13-related conditions. Algorithms developed to predict the effect of missense changes on protein structure and function are either unavailable or do not agree on the potential impact of this missense change (SIFT: "Deleterious"; PolyPhen-2: "Possibly Damaging"; Align-GVGD: "Class C0"). In summary, the available evidence is currently insufficient to determine the role of this variant in disease. Therefore, it has been classified as a Variant of Uncertain Significance.